The following is an entry in ClinVar:

ClinVar aggregate classification (germline): Uncertain significance. Review status: criteria provided, multiple submitters, no conflicts (2 of 4 stars). 2 submissions from 2 submitters: Uncertain significance (2). Last evaluated 2026-09-08.

Conditions:
Hereditary cancer-predisposing syndrome. Also called: Tumor predisposition; Hereditary neoplastic syndrome; Neoplastic Syndromes, Hereditary; Hereditary Cancer Syndrome. Identifiers: Orphanet 140162, MedGen C0027672, MeSH D009386, MONDO:0015356.
Pheochromocytoma/paraganglioma syndrome 4. Also called: PARAGANGLIOMA, FAMILIAL MALIGNANT; PARAGANGLIOMAS, HEREDITARY EXTRAADRENAL; PHEOCHROMOCYTOMA, FAMILIAL EXTRAADRENAL; Paragangliomas 4; SDHB-Related Hereditary Paraganglioma-Pheochromocytoma Syndrome (Paragangliomas 4); SDHB-Related Hereditary Paraganglioma-Pheochromocytoma Syndrome. Identifiers: Orphanet 29072, MedGen C1861848, MONDO:0007273, OMIM 115310.
Gastrointestinal stromal tumor. Also called: Gastrointestinal stroma tumor; Gastrointestinal stromal tumor, somatic. Identifiers: Orphanet 44890, MedGen C0238198, MeSH D046152, MONDO:0011719, OMIM 606764, HP:0100723.
Pheochromocytoma. Also called: MAX-Related Hereditary Paraganglioma-Pheochromocytoma Syndrome. Identifiers: Orphanet 29072, MedGen C0031511, MONDO:0008233, OMIM 171300, HP:0002666.

Submissions (2):

Ambry Genetics
Classification: Uncertain significance for Hereditary cancer-predisposing syndrome. Last evaluated: 2026-09-08. Review status: criteria provided, single submitter. Criteria: Ambry Variant Classification Scheme 2023. Collection method: clinical testing. Allele origin: germline.
Comment: The p.D236N variant (also known as c.706G>A), located in coding exon 7 of the SDHB gene, results from a G to A substitution at nucleotide position 706. The aspartic acid at codon 236 is replaced by asparagine, an amino acid with highly similar properties. This amino acid position is highly conserved in available vertebrate species. In addition, the in silico prediction for this alteration is inconclusive. Based on the available evidence, the clinical significance of this variant remains unclear.

Labcorp Genetics (formerly Invitae), Labcorp
Classification: Uncertain significance for Gastrointestinal stromal tumor; Pheochromocytoma/paraganglioma syndrome 4; Pheochromocytoma. Last evaluated: 2021-01-07. Review status: criteria provided, single submitter. Criteria: Invitae Variant Classification Sherloc (09022015). Collection method: clinical testing. Allele origin: germline.
Comment: In summary, the available evidence is currently insufficient to determine the role of this variant in disease. Therefore, it has been classified as a Variant of Uncertain Significance. Algorithms developed to predict the effect of missense changes on protein structure and function (SIFT, PolyPhen-2, Align-GVGD) all suggest that this variant is likely to be tolerated, but these predictions have not been confirmed by published functional studies and their clinical significance is uncertain. This variant has not been reported in the literature in individuals with SDHB-related disease. This variant is not present in population databases (ExAC no frequency). This sequence change replaces aspartic acid with asparagine at codon 236 of the SDHB protein (p.Asp236Asn). The aspartic acid residue is highly conserved and there is a small physicochemical difference between aspartic acid and asparagine.

NM_003000.3(SDHB):c.706G>A (p.Asp236Asn)

Gene: SDHB (succinate dehydrogenase complex iron sulfur subunit B; minus strand). Cytogenetic location: 1p36.13.
Variant type: single nucleotide variant.
Coding change: c.706G>A on transcript NM_003000.3 (MANE Select); coding-DNA position 706, G replaced by A.
Protein change: p.Asp236Asn; replaces aspartic acid 236 with asparagine.
Molecular consequence: missense variant.
Genome position (GRCh38, 1-based): chr1:17,022,667, C>T on the plus strand (G>A on the coding strand, the complement: SDHB is on the minus strand). VCF-style: chr1-17022667-C-T. GRCh37 (hg19) VCF-style: chr1-17349162-C-T.
Other names: short protein forms D236N.
Identifiers: ClinVar variation 862532 (VCV000862532.8), dbSNP rs2077968555, ClinGen allele CA338270282.